The following is an entry in ClinVar:

NM_001943.5(DSG2):c.3135A>C (p.Thr1045=)

Genes: DSG2 (desmoglein 2; plus strand), DSG2-AS1 (DSG2 antisense RNA 1; minus strand). Cytogenetic location: 18q12.1.
Variant type: single nucleotide variant.
Coding change: c.3135A>C on transcript NM_001943.5 (MANE Select); coding-DNA position 3135, A replaced by C.
Protein change: p.Thr1045=; no amino-acid change (threonine 1045 retained).
Molecular consequence: synonymous variant.
Genome position (GRCh38, 1-based): chr18:31,546,521, A>C. VCF-style: chr18-31546521-A-C. GRCh37 (hg19) VCF-style: chr18-29126484-A-C.
Other names: p.Thr1045=.
Identifiers: ClinVar variation 36013 (VCV000036013.40), dbSNP rs8095704, ClinGen allele CA021992.

ClinVar aggregate classification (germline): Benign/Likely benign. Review status: criteria provided, multiple submitters, no conflicts (2 of 4 stars). 17 submissions from 17 submitters: Benign (10); Likely benign (3). 4 of the submissions do not count toward it. Last evaluated 2026-02-03.

Conditions:
Cardiac arrhythmia. Also called: Cardiac rhythm disease; Arrhythmia. Identifiers: MedGen C0003811, MONDO:0007263, HP:0011675.
Arrhythmogenic right ventricular cardiomyopathy (ARVD). Also called: Arrhythmogenic cardiomyopathy; Arrhythmogenic Right Ventricular Cardiomyopathy (ARVC); Cardiomyopathy, ARVC; Arrhythmogenic right ventricular dysplasia. Identifiers: Orphanet 247, MedGen C0349788, MeSH D019571, MONDO:0016587. Disease mechanism: loss of function. Inheritance: Various modes of inheritance.
Cardiomyopathy (CMYO). Also called: Cardiomyopathies. Identifiers: Orphanet 167848, MedGen C0878544, MONDO:0004994, HP:0001638. Inheritance: Various modes of inheritance.
Arrhythmogenic right ventricular dysplasia 10. Also called: Arrhythmogenic right ventricular dysplasia/cardiomyopathy, type 10; Arrhythmogenic Right Ventricular Dysplasia/Cardiomyopathy10; ARRHYTHMOGENIC RIGHT VENTRICULAR DYSPLASIA, FAMILIAL, 10. Identifiers: MedGen C1857777, MONDO:0012434, OMIM 610193.

Allele frequency attached by ClinVar (database versions not stated): gnomAD exomes 0.00065 and 0.00169; ExAC 0.00216; 1000 Genomes Project 0.00659; 1000 Genomes Project 30x 0.00703; gnomAD 0.00735 and 0.00801; ESP Exome Variant Server 0.00750; TOPMed 0.00876.
gnomAD v4.1: 2,126 of 1,614,218 alleles (0.13%); highest among the groups gnomAD compares: African/African-American, 2.4%; 29 homozygotes.

Submissions (17):

Labcorp Genetics (formerly Invitae), Labcorp
Classification: Benign for Arrhythmogenic right ventricular dysplasia 10. Last evaluated: 2026-02-03. Review status: criteria provided, single submitter. Criteria: Invitae Variant Classification Sherloc (09022015). Collection method: clinical testing. Allele origin: germline.

ARUP Laboratories, Molecular Genetics and Genomics, ARUP Laboratories
Classification: Benign. Last evaluated: 2025-05-14. Review status: criteria provided, single submitter. Criteria: ARUP Molecular Germline Variant Investigation Process 2024. Collection method: clinical testing. Allele origin: germline.

Molecular Diagnostic Laboratory for Inherited Cardiovascular Disease, Montreal Heart Institute
Classification: Benign. Last evaluated: 2025-04-09. Review status: criteria provided, single submitter. Criteria: ACMG Guidelines, 2015. Collection method: clinical testing. Allele origin: germline. Affected: no.

Blueprint Genetics
Classification: Likely benign. Last evaluated: 2024-11-25. Review status: criteria provided, single submitter. Criteria: ACMG Guidelines, 2015. Collection method: clinical testing. Allele origin: germline.

All of Us Research Program, National Institutes of Health
Classification: Benign for Arrhythmogenic right ventricular cardiomyopathy. Last evaluated: 2024-02-05. Review status: criteria provided, single submitter. Criteria: ACMG Guidelines, 2015. Collection method: clinical testing. Allele origin: germline. Inheritance: Autosomal dominant inheritance. Observed: 424 variant alleles, 423 heterozygotes, 1 homozygote.
Comment: This study involves interpretation of variants in research participants for the purpose of population health screening. Participant phenotype was not available at the time of variant classification. Additional details can be found in publication PMID: 35346344, PMCID: PMC8962531

Color Diagnostics, LLC DBA Color Health
Classification: Benign for Cardiomyopathy. Last evaluated: 2018-10-17. Review status: criteria provided, single submitter. Criteria: ACMG Guidelines, 2015. Collection method: clinical testing. Allele origin: germline.

Illumina Laboratory Services, Illumina
Classification: Likely benign for Arrhythmogenic right ventricular dysplasia 10. Last evaluated: 2018-01-12. Review status: criteria provided, single submitter. Criteria: ICSL Variant Classification Criteria 13 December 2019. Collection method: clinical testing. Allele origin: germline.
Comment: This variant was observed in the ICSL laboratory as part of a predisposition screen in an ostensibly healthy population. It had not been previously curated by ICSL or reported in the Human Gene Mutation Database (HGMD: prior to June 1st, 2018), and was therefore a candidate for classification through an automated scoring system. Utilizing variant allele frequency, disease prevalence and penetrance estimates, and inheritance mode, an automated score was calculated to assess if this variant is too frequent to cause the disease. Based on the score and internal cut-off values, a variant classified as likely benign is not then subjected to further curation. The score for this variant resulted in a classification of likely benign for this disease.

CHEO Genetics Diagnostic Laboratory, Children's Hospital of Eastern Ontario
Classification: Benign for Cardiomyopathy. Last evaluated: 2015-12-31. Review status: criteria provided, single submitter. Criteria: ACMG Guidelines, 2015. Collection method: clinical testing. Allele origin: germline. Study: Canadian Open Genetics Repository.

Mayo Clinic Laboratories, Mayo Clinic
Classification: Benign. Last evaluated: 2015-10-30. Review status: criteria provided, single submitter. Criteria: ACMG Guidelines, 2015. Collection method: clinical testing. Allele origin: germline. Observed: 10 variant alleles.

GeneDx
Classification: Benign. Last evaluated: 2015-03-03. Review status: criteria provided, single submitter. Criteria: GeneDx Variant Classification Process June 2021. Collection method: clinical testing. Allele origin: germline. Affected: yes.

Laboratory for Molecular Medicine, Mass General Brigham Personalized Medicine
Classification: Benign. Last evaluated: 2013-02-22. Review status: criteria provided, single submitter. Criteria: LMM Criteria. Collection method: clinical testing. Allele origin: germline. Observed: 16 variant alleles.
Comment: Thr1045Thr in exon 15 of DSG2: This variant is not expected to have clinical sig nificance because it does not alter an amino acid residue, and is not located wi thin the splice consensus sequence and has been identified in 2.3% (92/4044) of African American chromosomes from a broad population by the NHLBI Exome Sequenci ng Project (dbSNP rs8095704).

Breakthrough Genomics
Classification: Likely benign. Review status: criteria provided, single submitter. Criteria: ACMG Guidelines, 2015. Collection method: not provided. Allele origin: germline. Inheritance: Autosomal recessive inheritance. Affected: yes.

PreventionGenetics, part of Exact Sciences
Classification: Benign. Review status: criteria provided, single submitter. Criteria: ACMG Guidelines, 2015. Collection method: clinical testing. Allele origin: germline.

Cohesion Phenomics
Classification: Benign for Cardiomyopathy. Last evaluated: 2022-09-23. Review status: no assertion criteria provided. Criteria: ACMG Guidelines, 2015. Collection method: clinical testing. Allele origin: germline. Affected: yes. Not counted in ClinVar's aggregate classification.

Women's Health and Genetics/Laboratory Corporation of America, LabCorp
Classification: Benign for Arrhythmia. Last evaluated: 2015-03-13. Review status: no assertion criteria provided. Collection method: clinical testing. Allele origin: germline. Not counted in ClinVar's aggregate classification.

Clinical Genetics DNA and cytogenetics Diagnostics Lab, Erasmus MC, Erasmus Medical Center
Classification: Benign. Review status: no assertion criteria provided. Collection method: clinical testing. Allele origin: germline. Affected: yes. Study: VKGL Data-share Consensus. Not counted in ClinVar's aggregate classification.

Clinical Genetics, Academic Medical Center
Classification: Benign. Review status: no assertion criteria provided. Collection method: clinical testing. Allele origin: germline. Affected: yes. Study: VKGL Data-share Consensus. Not counted in ClinVar's aggregate classification.